The following is an entry in ClinVar:

ClinVar aggregate classification (germline): Uncertain significance. Review status: criteria provided, multiple submitters, no conflicts (2 of 4 stars). 2 submissions from 2 submitters: Uncertain significance (2). Last evaluated 2024-12-13.

Submissions (2):

Women's Health and Genetics/Laboratory Corporation of America, LabCorp
Classification: Uncertain significance. Last evaluated: 2024-12-13. Review status: criteria provided, single submitter. Criteria: LabCorp Variant Classification Summary - May 2015. Collection method: clinical testing. Allele origin: germline.
Comment: Variant summary: SON c.1501A>G (p.Met501Val) results in a conservative amino acid change in the encoded protein sequence. Five of five in-silico tools predict a benign effect of the variant on protein function. The variant allele was found at a frequency of 1.2e-05 in 251404 control chromosomes. The available data on variant occurrences in the general population are insufficient to allow any conclusion about variant significance. To our knowledge, no occurrence of c.1501A>G in individuals affected with ZTTK Syndrome and no experimental evidence demonstrating its impact on protein function have been reported. No submitters have cited clinical-significance assessments for this variant to ClinVar. Based on the evidence outlined above, the variant was classified as uncertain significance.

Labcorp Genetics (formerly Invitae), Labcorp
Classification: Uncertain significance. Last evaluated: 2024-03-07. Review status: criteria provided, single submitter. Criteria: Invitae Variant Classification Sherloc (09022015). Collection method: clinical testing. Allele origin: germline.
Comment: This sequence change replaces methionine, which is neutral and non-polar, with valine, which is neutral and non-polar, at codon 501 of the SON protein (p.Met501Val). This variant is present in population databases (no rsID available, gnomAD 0.01%). This variant has not been reported in the literature in individuals affected with SON-related conditions. An algorithm developed to predict the effect of missense changes on protein structure and function (PolyPhen-2) suggests that this variant is likely to be disruptive. In summary, the available evidence is currently insufficient to determine the role of this variant in disease. Therefore, it has been classified as a Variant of Uncertain Significance.

NM_138927.4(SON):c.1501A>G (p.Met501Val)

Gene: SON (SON DNA and RNA binding protein; plus strand). Cytogenetic location: 21q22.11.
Variant type: single nucleotide variant.
Coding change: c.1501A>G on transcript NM_138927.4 (MANE Select); coding-DNA position 1501, A replaced by G.
Protein change: p.Met501Val; replaces methionine 501 with valine.
Molecular consequence: missense variant. On other transcripts: non-coding transcript variant (1), intron variant (1).
Genome position (GRCh38, 1-based): chr21:33,550,732, A>G. VCF-style: chr21-33550732-A-G. GRCh37 (hg19) VCF-style: chr21-34923038-A-G.
Other names: c.1501A>G, p.Met501Val (NM_001291411.2, NM_032195.3); c.244+4353A>G (NM_001291412.3); short protein forms M501V.
Identifiers: ClinVar variation 3616268 (VCV003616268.2).